The following is an entry in ClinVar:

ClinVar aggregate classification (germline): Uncertain significance (1 of 4 stars; one submission).

gnomAD v4.1: 99 of 1,403,312 alleles (0.0071%); highest among the groups gnomAD compares: Non-Finnish European, 0.0083%; no homozygotes.

Submission:

Labcorp Genetics (formerly Invitae), Labcorp
Classification: Uncertain significance. Last evaluated: 2025-12-13. Review status: criteria provided, single submitter. Criteria: Invitae Variant Classification Sherloc (09022015). Collection method: clinical testing. Allele origin: germline.
Comment: This sequence change replaces arginine, which is basic and polar, with glutamine, which is neutral and polar, at codon 1047 of the BRD4 protein (p.Arg1047Gln). This variant is present in population databases (rs768856782, gnomAD 0.02%). This variant has not been reported in the literature in individuals affected with BRD4-related conditions. ClinVar contains an entry for this variant (Variation ID: 3639973). An algorithm developed to predict the effect of missense changes on protein structure and function (PolyPhen-2) suggests that this variant is likely to be tolerated. In summary, the available evidence is currently insufficient to determine the role of this variant in disease. Therefore, it has been classified as a Variant of Uncertain Significance.

NM_001379291.1(BRD4):c.3140G>A (p.Arg1047Gln)

Gene: BRD4 (bromodomain containing 4; minus strand). Cytogenetic location: 19p13.12.
Variant type: single nucleotide variant.
Coding change: c.3140G>A on transcript NM_001379291.1 (MANE Select); coding-DNA position 3140, G replaced by A.
Protein change: p.Arg1047Gln; replaces arginine 1047 with glutamine.
Molecular consequence: missense variant.
Genome position (GRCh38, 1-based): chr19:15,242,929, C>T on the plus strand (G>A on the coding strand, the complement: BRD4 is on the minus strand). VCF-style: chr19-15242929-C-T. GRCh37 (hg19) VCF-style: chr19-15353740-C-T.
Other names: c.3140G>A, p.Arg1047Gln (NM_058243.3); short protein forms R1047Q.
Identifiers: ClinVar variation 3639973 (VCV003639973.2).